The following is an entry in ClinVar:

NM_000191.3(HMGCL):c.392del (p.Ala130_Ser131insTer)

Gene: HMGCL (3-hydroxy-3-methylglutaryl-CoA lyase; minus strand). Cytogenetic location: 1p36.11.
Variant type: Deletion.
Coding change: c.392del on transcript NM_000191.3 (MANE Select); coding-DNA position 392, one base deleted (C; older notation c.392delC).
Protein change: p.Ala130_Ser131insTer.
Molecular consequence: nonsense. On other transcripts: intron variant (1).
Genome position (GRCh38, 1-based): chr1:23,814,295, G deleted on the plus strand (C on the coding strand, the reverse complement: HMGCL is on the minus strand). VCF-style (leftmost placement, unchanged base first): chr1-23814294-TG-T. GRCh37 (hg19) VCF-style: chr1-24140784-TG-T.
Other names: c.348+2380del (NM_001166059.2).
Identifiers: ClinVar variation 1425974 (VCV001425974.6), dbSNP rs1638575128, ClinGen allele CA1158969412.

ClinVar aggregate classification (germline): Pathogenic (1 of 4 stars; one submission).

Conditions:
Deficiency of hydroxymethylglutaryl-CoA lyase (HMGCLD). Also called: Defect in leucine metabolism; 3-hydroxy-3-methylglutaric aciduria; HMG-CoA LYASE DEFICIENCY; HMGCL DEFICIENCY; HYDROXYMETHYLGLUTARIC ACIDURIA. Identifiers: Orphanet 20, MedGen C1533587, MONDO:0009520, OMIM 246450.

Allele frequency attached by ClinVar (database versions not stated): TOPMed below 0.00001.

Submission:

Labcorp Genetics (formerly Invitae), Labcorp
Classification: Pathogenic for Deficiency of hydroxymethylglutaryl-CoA lyase. Last evaluated: 2021-04-05. Review status: criteria provided, single submitter. Criteria: Invitae Variant Classification Sherloc (09022015). Collection method: clinical testing. Allele origin: germline.
Comment: This variant has not been reported in the literature in individuals with HMGCL-related conditions. This sequence change creates a premature translational stop signal (p.Ser131*) in the HMGCL gene. It is expected to result in an absent or disrupted protein product. Loss-of-function variants in HMGCL are known to be pathogenic (PMID: 9817922, 17692550, 23465862). This variant is not present in population databases (ExAC no frequency). For these reasons, this variant has been classified as Pathogenic.

Literature cited by the submitters: PubMed 9817922; PubMed 17692550; PubMed 23465862.